The following is an entry in ClinVar:

ClinVar aggregate classification (germline): Pathogenic/Likely pathogenic. Review status: criteria provided, multiple submitters, no conflicts (2 of 4 stars). 6 submissions from 6 submitters: Pathogenic (3); Likely pathogenic (2). 1 of the submissions does not count toward it. Last evaluated 2025-11-08.

Conditions:
SLC29A3-related disorder. Also called: SLC29A3-related condition.
H syndrome. Also called: Asrar Facharzt Haque syndrome; HISTIOCYTOSIS AND LYMPHADENOPATHY WITH OR WITHOUT CUTANEOUS, CARDIAC, AND/OR ENDOCRINE FEATURES, JOINT CONTRACTURES, AND/OR DEAFNESS; HYPERPIGMENTATION, CUTANEOUS, WITH HYPERTRICHOSIS, HEPATOSPLENOMEGALY, HEART ANOMALIES, AND HYPOGONADISM WITH OR WITHOUT HEARING LOSS; PIGMENTED HYPERTRICHOSIS WITH INSULIN-DEPENDENT DIABETES MELLITUS; ROSAI-DORFMAN DISEASE, FAMILIAL; SINUS HISTIOCYTOSIS AND MASSIVE LYMPHADENOPATHY. Identifiers: Orphanet 168569, MedGen C1864445, MONDO:0011273, OMIM 602782.

Allele frequency attached by ClinVar (database versions not stated): gnomAD below 0.00001 and 0.00002; TOPMed below 0.00001; gnomAD exomes 0.00003; ExAC 0.00004; 1000 Genomes Project 30x 0.00031; 1000 Genomes Project 0.00040.
gnomAD v4.1: 24 of 1,614,186 alleles (0.0015%); highest among the groups gnomAD compares: South Asian, 0.025%; 1 homozygote.

Submissions (6):

Labcorp Genetics (formerly Invitae), Labcorp
Classification: Pathogenic for H syndrome. Last evaluated: 2025-11-08. Review status: criteria provided, single submitter. Criteria: Invitae Variant Classification Sherloc (09022015). Collection method: clinical testing. Allele origin: germline.
Comment: This sequence change creates a premature translational stop signal (p.Glu444*) in the SLC29A3 gene. While this is not anticipated to result in nonsense mediated decay, it is expected to disrupt the last 32 amino acid(s) of the SLC29A3 protein. This variant is present in population databases (rs267607056, gnomAD 0.03%), including at least one homozygous and/or hemizygous individual. This premature translational stop signal has been observed in individuals with histiocytosis-lymphadenopathy plus syndrome (PMID: 17461801, 19336477, 33947670). ClinVar contains an entry for this variant (Variation ID: 564). Algorithms developed to predict the effect of variants on gene product structure and function are not available or were not evaluated for this variant. Experimental studies have shown that this premature translational stop signal affects SLC29A3 function (PMID: 20595384). Algorithms developed to predict the effect of sequence changes on RNA splicing suggest that this variant may create or strengthen a splice site. This variant disrupts a region of the SLC29A3 protein in which other variant(s) (p.Glu447Lys, p.Thr449Arg) have been observed in individuals with SLC29A3-related conditions (PMID: 19336477, 20595384, 28554179). This suggests that this is a clinically significant region of the protein, and that variants that disrupt it are likely to be disease-causing. For these reasons, this variant has been classified as Pathogenic.

Blueprint Genetics
Classification: Pathogenic for SLC29A3-related disorders. Last evaluated: 2023-10-16. Review status: criteria provided, single submitter. Criteria: ACMG Guidelines, 2015. Collection method: clinical testing. Allele origin: germline. Affected: yes. Observed: 1 variant allele.

Genetics and Genomic Medicine Centre, NeuroGen Healthcare, NeuroGen Healthcare
Classification: Likely pathogenic for H syndrome. Last evaluated: 2021-09-27. Review status: criteria provided, single submitter. Criteria: Submitter's publication. Collection method: clinical testing. Allele origin: unknown. Affected: no.

GeneDx
Classification: Likely pathogenic. Last evaluated: 2017-08-25. Review status: criteria provided, single submitter. Criteria: GeneDx Variant Classification (06012015). Collection method: clinical testing. Allele origin: germline. Affected: yes.
Comment: The E444X variant in the SLC29A3 gene has been reported previously in the homozygous state in an individual with pigmented hypertrichosis, insulin-dependent diabetes mellitus, and pancreatomegaly; this variant was not observed in over 100 ethnically matched control chromosomes (Cliffe et al., 2009). This variant is predicted to cause loss of normal protein function through protein truncation, as the last 32 amino acids of the protein are lost. While not present in the homozygous state, the E444X variant is observed in 5/16510 (0.03%) alleles from individuals of South Asian background in the ExAC dataset (Lek et al., 2016). We interpret E444X as a likely pathogenic variant.

Neuberg Centre For Genomic Medicine, NCGM
Classification: Pathogenic for H syndrome. Review status: criteria provided, single submitter. Criteria: ACMG Guidelines, 2015. Collection method: clinical testing. Allele origin: germline. Inheritance: Autosomal recessive inheritance. Affected: yes.
Comment: The observed stop gained variant c.1330G>T(p.Glu444Ter) in SLC29A3 gene has been reported previously in homozygous state in individuals with Histiocytosis-lymphadenopathy syndrome (Mori KS, et al., 2021, Cliffe ST, et al., 2009). Experimental evidence showed that this variant shows impairment in protein stability and reduction in nucleoside transport activity (Kang N, et al., 2010).The c.1330G>T variant is reported with 0.003% allele frequency in gnomAD Exomes. This variant has been reported to the ClinVar database as Pathogenic/Likely Pathogenic. The nucleotide change c.1330G>T in SLC29A3 is predicted as conserved by GERP++ and PhyloP across 100 vertebrates. Computational evidence (MutationTaster - Disease causing) predicts damaging effect on protein structure and function for this variant. For these reasons, this variant has been classified as Pathogenic.

OMIM
Classification: Pathogenic for HISTIOCYTOSIS-LYMPHADENOPATHY PLUS SYNDROME. Last evaluated: 2010-09-03. Review status: no assertion criteria provided. Collection method: literature only. Allele origin: germline. Not counted in ClinVar's aggregate classification.

Literature cited by the submitters: PubMed 17461801 (cited by Labcorp Genetics (formerly Invitae), Labcorp and OMIM); PubMed 19336477 (cited by Labcorp Genetics (formerly Invitae), Labcorp and OMIM); PubMed 33947670 (cited by Labcorp Genetics (formerly Invitae), Labcorp); PubMed 20595384 (cited by Labcorp Genetics (formerly Invitae), Labcorp and OMIM); PubMed 28554179 (cited by Labcorp Genetics (formerly Invitae), Labcorp).

NM_018344.6(SLC29A3):c.1330G>T (p.Glu444Ter)

Gene: SLC29A3 (solute carrier family 29 member 3; plus strand). Cytogenetic location: 10q22.1.
Variant type: single nucleotide variant.
Coding change: c.1330G>T on transcript NM_018344.6 (MANE Select); coding-DNA position 1330, G replaced by T.
Protein change: p.Glu444Ter; replaces glutamic acid 444 with a stop codon.
Molecular consequence: nonsense. On other transcripts: 3 prime UTR variant (1), non-coding transcript variant (2).
Genome position (GRCh38, 1-based): chr10:71,362,510, G>T. VCF-style: chr10-71362510-G-T. GRCh37 (hg19) VCF-style: chr10-73122267-G-T.
Other names: c.*559G>T (NM_001174098.2); c.1096G>T, p.Glu366Ter (NM_001363518.2); short protein forms E444*, E366*.
Identifiers: ClinVar variation 564 (VCV000000564.16), dbSNP rs267607056, ClinGen allele CA114350.